The following is an entry in ClinVar:

NM_001042492.3(NF1):c.6806_6819+5del

Gene: NF1 (neurofibromin 1; plus strand). Cytogenetic location: 17q11.2.
Variant type: Deletion.
Coding change: c.6806_6819+5del on transcript NM_001042492.3 (MANE Select); coding-DNA position 6806 through 5 bases into the intron after coding-DNA position 6819, 19 bases deleted (GTATTCTTAGCAAGGTACC).
Molecular consequence: splice donor variant.
Genome position (GRCh38, 1-based): chr17:31,338,126-31,338,144, GTATTCTTAGCAAGGTACC deleted; deleting any 19 consecutive bases within chr17:31,338,124-31,338,144 gives the same sequence; the c. name uses the placement nearest the transcript's 3' end. VCF-style (leftmost placement, unchanged base first): chr17-31338123-TCCGTATTCTTAGCAAGGTA-T. GRCh37 (hg19) VCF-style: chr17-29665141-TCCGTATTCTTAGCAAGGTA-T.
Other names: c.6743_6756+5del19 (NM_000267.3); c.6743_6756+5del (NM_000267.4).
Identifiers: ClinVar variation 2452245 (VCV002452245.2), dbSNP rs2508759785, ClinGen allele CA2580093143.

ClinVar aggregate classification (germline): Likely pathogenic (1 of 4 stars; one submission).

Conditions:
Hereditary cancer-predisposing syndrome. Also called: Neoplastic Syndromes, Hereditary; Tumor predisposition; Hereditary neoplastic syndrome; Hereditary Cancer Syndrome. Identifiers: Orphanet 140162, MedGen C0027672, MeSH D009386, MONDO:0015356.
Cardiovascular phenotype. Identifiers: MedGen CN230736.

Submission:

Ambry Genetics
Classification: Likely pathogenic for Cardiovascular phenotype; Hereditary cancer-predisposing syndrome. Last evaluated: 2023-01-04. Review status: criteria provided, single submitter. Criteria: Ambry Variant Classification Scheme 2023. Collection method: clinical testing. Allele origin: germline.
Comment: The c.6743_6756+5del19 variant results from a deletion of 19 nucleotides between positions 6743 and 6756+5 and involves the canonical splice donor site after coding exon 44 of the NF1 gene. This variant is considered to be rare based on population cohorts in the Genome Aggregation Database (gnomAD). The canonical splice donor site is highly conserved in available vertebrate species. In silico splice site analysis predicts that this alteration will weaken the native splice donor site; however, the exact impact of this deletion on NF1 splicing and function is currently unknown. Alterations that disrupt the canonical splice site are expected to cause aberrant splicing, resulting in an abnormal protein or a transcript that is subject to nonsense-mediated mRNA decay. As such, this alteration is classified as likely pathogenic.